The following is an entry in ClinVar:

NM_000238.4(KCNH2):c.1232A>T (p.Asp411Val)

Gene: KCNH2 (potassium voltage-gated channel subfamily H member 2; minus strand). Cytogenetic location: 7q36.1.
Variant type: single nucleotide variant.
Coding change: c.1232A>T on transcript NM_000238.4 (MANE Select); coding-DNA position 1232, A replaced by T.
Protein change: p.Asp411Val; replaces aspartic acid 411 with valine.
Molecular consequence: missense variant. On other transcripts: non-coding transcript variant (2).
Genome position (GRCh38, 1-based): chr7:150,952,750, T>A on the plus strand (A>T on the coding strand, the complement: KCNH2 is on the minus strand). VCF-style: chr7-150952750-T-A. GRCh37 (hg19) VCF-style: chr7-150649838-T-A.
Other names: c.212A>T, p.Asp71Val (NM_001204798.2, NM_172057.3); c.944A>T, p.Asp315Val (NM_001406753.1, NM_001406756.1); c.1055A>T, p.Asp352Val (NM_001406755.1); c.932A>T, p.Asp311Val (NM_001406757.1); c.1232A>T, p.Asp411Val (NM_172056.3); short protein forms D411V, D311V, D315V, D352V, D71V.
Identifiers: ClinVar variation 3729605 (VCV003729605.3).

ClinVar aggregate classification (germline): Conflicting classifications of pathogenicity. Review status: criteria provided, conflicting classifications (1 of 4 stars). 2 submissions from 2 submitters: Likely pathogenic (1); Uncertain significance (1). Last evaluated 2025-01-26.

Conditions:
Long QT syndrome 2 (LQT2). Identifiers: Orphanet 101016, Orphanet 768, MedGen C3150943, MONDO:0013367, OMIM 613688.
Long QT syndrome (LQTS). Identifiers: MedGen C0023976, MeSH D008133, MONDO:0002442. Disease mechanism: loss of function. Inheritance: Various modes of inheritance.

Submissions (2):

Labcorp Genetics (formerly Invitae), Labcorp
Classification: Uncertain significance for Long QT syndrome. Last evaluated: 2025-01-26. Review status: criteria provided, single submitter. Criteria: Invitae Variant Classification Sherloc (09022015). Collection method: clinical testing. Allele origin: germline.
Comment: This sequence change replaces aspartic acid, which is acidic and polar, with valine, which is neutral and non-polar, at codon 411 of the KCNH2 protein (p.Asp411Val). This variant is not present in population databases (gnomAD no frequency). This variant has not been reported in the literature in individuals affected with KCNH2-related conditions. An algorithm developed to predict the effect of missense changes on protein structure and function (PolyPhen-2) suggests that this variant is likely to be disruptive. In summary, the available evidence is currently insufficient to determine the role of this variant in disease. Therefore, it has been classified as a Variant of Uncertain Significance.

Clinical Genetics Service, Universitary Hospital 12 de Octubre
Classification: Likely pathogenic for Long QT syndrome 2. Review status: criteria provided, single submitter. Criteria: ACMG Guidelines, 2015. Collection method: clinical testing. Allele origin: germline. Affected: yes.